The following is an entry in ClinVar:

ClinVar aggregate classification (germline): Pathogenic. Review status: criteria provided, multiple submitters, no conflicts (2 of 4 stars). 3 submissions from 3 submitters: Pathogenic (3). Last evaluated 2024-11-29.

Conditions:
Alagille syndrome due to a JAG1 point mutation. Also called: HEPATIC DUCTULAR HYPOPLASIA, SYNDROMATIC; Alagille Syndrome 1; JAG1-Related Alagille Syndrome. Identifiers: Orphanet 261619, Orphanet 52, MedGen C1956125, MONDO:0016862, OMIM 118450.

Submissions (3):

Clinical Genetics Laboratory, Region Ostergotland
Classification: Pathogenic for Alagille syndrome due to a JAG1 point mutation. Last evaluated: 2024-11-29. Review status: criteria provided, single submitter. Criteria: ACMG Guidelines, 2015. Collection method: clinical testing. Allele origin: de novo. Affected: yes.
Comment: The variant is not found in population database (no frequency gnomAD v4.1.0) and was confirmed de novo by parental testing. The following ACMG/AMP criteria were applied in classifying this variant: PVS1, PM2, PM6

Labcorp Genetics (formerly Invitae), Labcorp
Classification: Pathogenic for Alagille syndrome due to a JAG1 point mutation. Last evaluated: 2022-07-14. Review status: criteria provided, single submitter. Criteria: Invitae Variant Classification Sherloc (09022015). Collection method: clinical testing. Allele origin: germline.
Comment: This sequence change creates a premature translational stop signal (p.Cys92Alafs*69) in the JAG1 gene. It is expected to result in an absent or disrupted protein product. Loss-of-function variants in JAG1 are known to be pathogenic (PMID: 11180599). For these reasons, this variant has been classified as Pathogenic. ClinVar contains an entry for this variant (Variation ID: 1069646). This premature translational stop signal has been observed in individual(s) with Alagille syndrome (PMID: 31343788). This variant is not present in population databases (gnomAD no frequency).

Juno Genomics, Hangzhou Juno Genomics, Inc
Classification: Pathogenic for Alagille syndrome due to a JAG1 point mutation. Review status: criteria provided, single submitter. Criteria: ACMG Guidelines, 2015. Collection method: clinical testing. Allele origin: germline. Affected: yes.
Comment: Absent from controls (or at extremely low frequency if recessive) in Genome Aggregation Database, Exome Sequencing Project, 1000 Genomes Project, or Exome Aggregation Consortium.;Null variant in a gene where loss of function (LOF) is a known mechanism of disease.;The prevalence of the variant in affected individuals is significantly increased compared to the prevalence in controls.

Literature cited by the submitters: PubMed 11180599 (cited by Labcorp Genetics (formerly Invitae), Labcorp); PubMed 31343788 (cited by Labcorp Genetics (formerly Invitae), Labcorp).

NM_000214.3(JAG1):c.273del (p.Cys92fs)

Gene: JAG1 (jagged canonical Notch ligand 1; minus strand). Cytogenetic location: 20p12.2.
Variant type: Deletion.
Coding change: c.273del on transcript NM_000214.3 (MANE Select); coding-DNA position 273, one base deleted (C; older notation c.273delC).
Protein change: p.Cys92fs; shifts the reading frame from cysteine 92.
Molecular consequence: frameshift variant.
Genome position (GRCh38, 1-based): chr20:10,672,815, G deleted on the plus strand (C on the coding strand, the reverse complement: JAG1 is on the minus strand); the first of 3 consecutive G bases (chr20:10,672,815-10,672,817); deleting any one gives the same sequence. VCF-style (leftmost placement, unchanged base first): chr20-10672814-AG-A. GRCh37 (hg19) VCF-style: chr20-10653462-AG-A.
Other names: short protein forms C92fs.
Identifiers: ClinVar variation 1069646 (VCV001069646.13), dbSNP rs2122644538, ClinGen allele CA2499225668.